The following is an entry in ClinVar:

NM_001283009.2(RTEL1):c.2784C>T (p.Phe928=)

Genes: RTEL1 (regulator of telomere elongation helicase 1; plus strand), RTEL1-TNFRSF6B (RTEL1-TNFRSF6B readthrough (NMD candidate); plus strand). Cytogenetic location: 20q13.33.
Variant type: single nucleotide variant.
Coding change: c.2784C>T on transcript NM_001283009.2 (MANE Select); coding-DNA position 2784, C replaced by T.
Protein change: p.Phe928=; no amino-acid change (phenylalanine 928 retained).
Molecular consequence: synonymous variant. On other transcripts: non-coding transcript variant (1).
Genome position (GRCh38, 1-based): chr20:63,692,936, C>T. VCF-style: chr20-63692936-C-T. GRCh37 (hg19) VCF-style: chr20-62324289-C-T.
Other names: p.Phe952=; c.2856C>T (NM_032957.4); c.2115C>T, p.Phe705= (NM_001283010.1); c.2784C>T, p.Phe928= (NM_016434.4); c.2856C>T, p.Phe952= (NM_032957.5).
Identifiers: ClinVar variation 991710 (VCV000991710.20), dbSNP rs3848672, ClinGen allele CA9965534.

ClinVar aggregate classification (germline): Benign. Review status: criteria provided, multiple submitters, no conflicts (2 of 4 stars). 10 submissions from 9 submitters: Benign (9). 1 of the submissions does not count toward it. Last evaluated 2026-02-04.

Conditions:
Dyskeratosis congenita. Identifiers: Orphanet 1775, MedGen C0265965, MONDO:0015780.
Dyskeratosis congenita, autosomal recessive 5 (DKCB5). Identifiers: MedGen C3554656, MONDO:0014076, OMIM 615190.
Pulmonary fibrosis and/or bone marrow failure, Telomere-related, 3. Also called: PULMONARY FIBROSIS AND/OR BONE MARROW FAILURE SYNDROME, TELOMERE-RELATED, 3. Identifiers: Orphanet 2032, MedGen C4225346, MONDO:0014613, OMIM 616373.

Allele frequency attached by ClinVar (database versions not stated): ESP Exome Variant Server 0.11659; TOPMed 0.15682; 1000 Genomes Project 30x 0.25187; 1000 Genomes Project 0.25579.
gnomAD v4.1: 272,261 of 1,612,538 alleles (17%); highest among the groups gnomAD compares: East Asian, 52%; 29,556 homozygotes.

Submissions (10):

Labcorp Genetics (formerly Invitae), Labcorp
Classification: Benign for Dyskeratosis congenita, autosomal recessive 5; Pulmonary fibrosis and/or bone marrow failure, Telomere-related, 3. Last evaluated: 2026-02-04. Review status: criteria provided, single submitter. Criteria: Invitae Variant Classification Sherloc (09022015). Collection method: clinical testing. Allele origin: germline.

ARUP Laboratories, Molecular Genetics and Genomics, ARUP Laboratories
Classification: Benign. Last evaluated: 2025-07-28. Review status: criteria provided, single submitter. Criteria: ARUP Molecular Germline Variant Investigation Process 2024. Collection method: clinical testing. Allele origin: germline.

Blueprint Genetics
Classification: Benign. Last evaluated: 2024-11-28. Review status: criteria provided, single submitter. Criteria: ACMG Guidelines, 2015. Collection method: clinical testing. Allele origin: germline.

Unidad de Genómica Garrahan, Hospital de Pediatría Garrahan
Classification: Benign. Last evaluated: 2024-01-24. Review status: criteria provided, single submitter. Criteria: ACMG Guidelines, 2015. Collection method: clinical testing. Allele origin: germline. Affected: no. Observed: 57 variant alleles.
Comment: This variant is classified as Benign based on local population frequency. This variant was detected in 60% of patients studied by a panel of primary immunodeficiencies. Number of patients: 57. Only high quality variants are reported.

Genome-Nilou Lab
Classification: Benign for Dyskeratosis congenita, autosomal recessive 5. Last evaluated: 2021-07-10. Review status: criteria provided, single submitter. Criteria: ACMG Guidelines, 2015. Collection method: clinical testing. Allele origin: germline. Affected: no.

Genome-Nilou Lab
Classification: Benign for Pulmonary fibrosis and/or bone marrow failure, Telomere-related, 3. Last evaluated: 2021-07-10. Review status: criteria provided, single submitter. Criteria: ACMG Guidelines, 2015. Collection method: clinical testing. Allele origin: germline. Affected: no.

GeneDx
Classification: Benign. Last evaluated: 2018-11-12. Review status: criteria provided, single submitter. Criteria: GeneDx Variant Classification Process June 2021. Collection method: clinical testing. Allele origin: germline. Affected: yes.

Mayo Clinic Laboratories, Mayo Clinic
Classification: Benign. Last evaluated: 2016-09-21. Review status: criteria provided, single submitter. Criteria: ACMG Guidelines, 2015. Collection method: clinical testing. Allele origin: germline. Observed: 361 variant alleles.

Breakthrough Genomics
Classification: Benign. Review status: criteria provided, single submitter. Criteria: ACMG Guidelines, 2015. Collection method: not provided. Allele origin: germline. Inheritance: Autosomal recessive inheritance. Affected: yes.

Natera, Inc.
Classification: Benign for Dyskeratosis congenita. Last evaluated: 2020-08-28. Review status: no assertion criteria provided. Collection method: clinical testing. Allele origin: germline. Not counted in ClinVar's aggregate classification.